The following is an entry in ClinVar:

ClinVar aggregate classification (germline): Uncertain significance. Review status: criteria provided, multiple submitters, no conflicts (2 of 4 stars). 2 submissions from 2 submitters: Uncertain significance (2). Last evaluated 2024-01-11.

Conditions:
Classic or attenuated familial adenomatous polyposis. Identifiers: MedGen CN372698, MONDO:0021057.
Familial adenomatous polyposis 1 (FAP1). Also called: POLYPOSIS, ADENOMATOUS INTESTINAL; FAMILIAL ADENOMATOUS POLYPOSIS 1, ATTENUATED. Identifiers: MedGen C2713442, MONDO:0021056, OMIM 175100. Disease mechanism: loss of function.

Submissions (2):

All of Us Research Program, National Institutes of Health
Classification: Uncertain significance for Classic or attenuated familial adenomatous polyposis. Last evaluated: 2024-01-11. Review status: criteria provided, single submitter. Criteria: ACMG Guidelines, 2015. Collection method: clinical testing. Allele origin: germline. Inheritance: Autosomal dominant inheritance. Observed: 1 variant allele, 1 heterozygote.
Comment: This study involves interpretation of variants in research participants for the purpose of population health screening. Participant phenotype was not available at the time of variant classification. Additional details can be found in publication PMID: 35346344, PMCID: PMC8962531

Labcorp Genetics (formerly Invitae), Labcorp
Classification: Uncertain significance for Familial adenomatous polyposis 1. Last evaluated: 2018-08-25. Review status: criteria provided, single submitter. Criteria: Invitae Variant Classification Sherloc (09022015). Collection method: clinical testing. Allele origin: germline.
Comment: In summary, the available evidence is currently insufficient to determine the role of this variant in disease. Therefore, it has been classified as a Variant of Uncertain Significance. Algorithms developed to predict the effect of missense changes on protein structure and function (SIFT, PolyPhen-2, Align-GVGD) all suggest that this variant is likely to be disruptive, but these predictions have not been confirmed by published functional studies and their clinical significance is uncertain. This variant has not been reported in the literature in individuals with APC-related disease. This variant is not present in population databases (ExAC no frequency). This sequence change replaces threonine with proline at codon 1852 of the APC protein (p.Thr1852Pro). The threonine residue is highly conserved and there is a small physicochemical difference between threonine and proline.

NM_000038.6(APC):c.5554A>C (p.Thr1852Pro)

Gene: APC (APC regulator of Wnt signaling pathway; plus strand). Cytogenetic location: 5q22.2.
Variant type: single nucleotide variant.
Coding change: c.5554A>C on transcript NM_000038.6 (MANE Select); coding-DNA position 5554, A replaced by C.
Protein change: p.Thr1852Pro; replaces threonine 1852 with proline.
Molecular consequence: missense variant.
Genome position (GRCh38, 1-based): chr5:112,841,148, A>C. VCF-style: chr5-112841148-A-C. GRCh37 (hg19) VCF-style: chr5-112176845-A-C.
Other names: c.5554A>C, p.Thr1852Pro (NM_001127510.3, NM_001354895.2); c.5500A>C, p.Thr1834Pro (NM_001127511.3); c.5608A>C, p.Thr1870Pro (NM_001354896.2); c.5584A>C, p.Thr1862Pro (NM_001354897.2); c.5479A>C, p.Thr1827Pro (NM_001354898.2); c.5470A>C, p.Thr1824Pro (NM_001354899.2); c.5431A>C, p.Thr1811Pro (NM_001354900.2); c.5377A>C, p.Thr1793Pro (NM_001354901.2); and 5 more; short protein forms T1726P, T1751P, T1824P, T1852P, T1870P, T1761P, T1811P, T1827P.
Identifiers: ClinVar variation 652427 (VCV000652427.11), dbSNP rs1580661309, ClinGen allele CA16033482.